The following is an entry in ClinVar:

NM_001127898.4(CLCN5):c.1557+6G>A

Gene: CLCN5 (chloride voltage-gated channel 5; plus strand). Cytogenetic location: Xp11.23.
Variant type: single nucleotide variant.
Coding change: c.1557+6G>A on transcript NM_001127898.4 (MANE Select); 6 bases into the intron after coding-DNA position 1557, G replaced by A.
Molecular consequence: intron variant.
Genome position (GRCh38, 1-based): chrX:50,086,876, G>A. VCF-style: chrX-50086876-G-A. GRCh37 (hg19) VCF-style: chrX-49851533-G-A.
Other names: c.1557+6G>A (NM_001127899.4); c.1347+6G>A (NM_000084.5); c.1407+6G>A (NM_001282163.2).
Identifiers: ClinVar variation 3339315 (VCV003339315.3).
Genomic context (GRCh38, chrX:50,086,876, plus strand): 5'-GGCTTTAACACTCATACTGAAAATTGTCATTACTATATTCACCTTTGGCATGAAGGTGAG[G>A]AATTCTTTTGGGACTCAGTGGCTGCATGCGTAGCTGTGGGTTTTGGAGGGCAGAGCCCAG-3'

ClinVar aggregate classification (germline): Uncertain significance. Review status: criteria provided, multiple submitters, no conflicts (2 of 4 stars). 2 submissions from 2 submitters: Uncertain significance (2). Last evaluated 2024-10-17.

gnomAD v4.1: 21 of 1,207,798 alleles (0.0017%); highest among the groups gnomAD compares: East Asian, 0.059%; no homozygotes.

Submissions (2):

Labcorp Genetics (formerly Invitae), Labcorp
Classification: Uncertain significance. Last evaluated: 2024-10-17. Review status: criteria provided, single submitter. Criteria: Invitae Variant Classification Sherloc (09022015). Collection method: clinical testing. Allele origin: germline.
Comment: This sequence change falls in intron 8 of the CLCN5 gene. It does not directly change the encoded amino acid sequence of the CLCN5 protein. It affects a nucleotide within the consensus splice site. This variant is present in population databases (rs781833645, gnomAD 0.02%). This variant has not been reported in the literature in individuals affected with CLCN5-related conditions. Variants that disrupt the consensus splice site are a relatively common cause of aberrant splicing (PMID: 17576681, 9536098). Algorithms developed to predict the effect of sequence changes on RNA splicing suggest that this variant is not likely to affect RNA splicing. In summary, the available evidence is currently insufficient to determine the role of this variant in disease. Therefore, it has been classified as a Variant of Uncertain Significance.

Women's Health and Genetics/Laboratory Corporation of America, LabCorp
Classification: Uncertain significance. Last evaluated: 2024-07-27. Review status: criteria provided, single submitter. Criteria: LabCorp Variant Classification Summary - May 2015. Collection method: clinical testing. Allele origin: germline.

Literature cited by the submitters: PubMed 17576681 (cited by Labcorp Genetics (formerly Invitae), Labcorp); PubMed 9536098 (cited by Labcorp Genetics (formerly Invitae), Labcorp).